The following is an entry in ClinVar:

ClinVar aggregate classification (germline): Likely pathogenic (1 of 4 stars; one submission).

Conditions:
Familial renal glucosuria (GLYS). Also called: RENAL GLUCOSURIA, AUTOSOMAL DOMINANT; Familial renal glycosuria. Identifiers: Orphanet 69076, MedGen C3245525, MONDO:0009297, OMIM 233100.

gnomAD v4.1: 1 of 1,614,144 alleles (0.000062%); highest among the groups gnomAD compares: Non-Finnish European, 0.000085%; no homozygotes.

Submission:

MVZ Medizinische Genetik Mainz
Classification: Likely pathogenic for Familial renal glucosuria. Last evaluated: 2025-07-03. Review status: criteria provided, single submitter. Criteria: UK Practice Guidelines For Variant Classification V4 01 2020. Collection method: clinical testing. Allele origin: germline. Inheritance: Autosomal recessive inheritance. Affected: yes. Observed: 1 variant allele.
Comment: ACMG Criteria: PVS1_STR,PM2_SUP,PP4; Compound Heterozygote

NM_003041.4(SLC5A2):c.1792+1G>C

Genes: RUSF1 (RUS family member 1; minus strand), SLC5A2 (solute carrier family 5 member 2; plus strand). Cytogenetic location: 16p11.2.
Variant type: single nucleotide variant.
Coding change: c.1792+1G>C on transcript NM_003041.4 (MANE Select); the canonical splice donor site of the intron after coding-DNA position 1792, G replaced by C.
Molecular consequence: splice donor variant. On other transcripts: 3 prime UTR variant (1).
Genome position (GRCh38, 1-based): chr16:31,490,231, G>C. VCF-style: chr16-31490231-G-C. GRCh37 (hg19) VCF-style: chr16-31501552-G-C.
Other names: c.*604C>G (NM_022744.4).
Identifiers: ClinVar variation 4072224 (VCV004072224.1).